The following is an entry in ClinVar:

ClinVar aggregate classification (germline): Conflicting classifications of pathogenicity. Review status: criteria provided, conflicting classifications (1 of 4 stars). 3 submissions from 3 submitters: Uncertain significance (2); Likely benign (1). Last evaluated 2025-12-09.

Conditions:
Hereditary cancer-predisposing syndrome. Also called: Neoplastic Syndromes, Hereditary; Tumor predisposition; Hereditary Cancer Syndrome; Hereditary neoplastic syndrome. Identifiers: Orphanet 140162, MedGen C0027672, MeSH D009386, MONDO:0015356.
Familial meningioma. Also called: Meningioma, familial, susceptibility to. Identifiers: Orphanet 263662, MedGen C3551915, MONDO:0011789, OMIM 607174.

Allele frequency attached by ClinVar (database versions not stated): ExAC 0.00001; gnomAD 0.00001; gnomAD exomes 0.00001; TOPMed 0.00002.
gnomAD v4.1: 16 of 1,613,838 alleles (0.00099%); highest among the groups gnomAD compares: Middle Eastern, 0.016%; no homozygotes.

Submissions (3):

Labcorp Genetics (formerly Invitae), Labcorp
Classification: Uncertain significance for Familial meningioma. Last evaluated: 2025-12-09. Review status: criteria provided, single submitter. Criteria: Invitae Variant Classification Sherloc (09022015). Collection method: clinical testing. Allele origin: germline.
Comment: This sequence change replaces arginine, which is basic and polar, with cysteine, which is neutral and slightly polar, at codon 313 of the SMARCE1 protein (p.Arg313Cys). This variant is present in population databases (rs769672368, gnomAD 0.01%). This missense change has been observed in individual(s) with clinical features of SMARCE1-related conditions (PMID: 37500730). ClinVar contains an entry for this variant (Variation ID: 653959). Invitae Evidence Modeling of protein sequence and biophysical properties (such as structural, functional, and spatial information, amino acid conservation, physicochemical variation, residue mobility, and thermodynamic stability) indicates that this missense variant is not expected to disrupt SMARCE1 protein function with a negative predictive value of 80%. In summary, the available evidence is currently insufficient to determine the role of this variant in disease. Therefore, it has been classified as a Variant of Uncertain Significance.

Baylor Genetics
Classification: Uncertain significance for Familial meningioma. Last evaluated: 2023-11-16. Review status: criteria provided, single submitter. Criteria: ACMG Guidelines, 2015. Collection method: clinical testing. Allele origin: unknown.

Ambry Genetics
Classification: Likely benign for Hereditary cancer-predisposing syndrome. Last evaluated: 2021-04-16. Review status: criteria provided, single submitter. Criteria: Ambry Variant Classification Scheme 2023. Collection method: clinical testing. Allele origin: germline.

Literature cited by the submitters: PubMed 37500730 (cited by Labcorp Genetics (formerly Invitae), Labcorp).

NM_003079.5(SMARCE1):c.937C>T (p.Arg313Cys)

Gene: SMARCE1 (SWI/SNF related BAF chromatin remodeling complex subunit E1; minus strand). Cytogenetic location: 17q21.2.
Variant type: single nucleotide variant.
Coding change: c.937C>T on transcript NM_003079.5 (MANE Select); coding-DNA position 937, C replaced by T.
Protein change: p.Arg313Cys; replaces arginine 313 with cysteine.
Molecular consequence: missense variant.
Genome position (GRCh38, 1-based): chr17:40,630,804, G>A on the plus strand (C>T on the coding strand, the complement: SMARCE1 is on the minus strand). VCF-style: chr17-40630804-G-A. GRCh37 (hg19) VCF-style: chr17-38787056-G-A.
Other names: short protein forms R313C.
Identifiers: ClinVar variation 653959 (VCV000653959.14), dbSNP rs769672368, ClinGen allele CA8545134.
Genomic context (GRCh38, chr17:40,630,804, plus strand): 5'-TCTTCTCCTCGCCTTTGTTAGCTGCTTGTTCTTCCTCAGGAACGATGCTGCTCTGACTGC[G>A]CTCAGCTTGCTCTGCGGCCTCCTTCTCCCTTTCCTCCTGCCTTTTGCGGGCCTGTTCCTC-3'
Protein context (NP_003070.3, residues 303-323): REKEAAEQAE[Arg313Cys]SQSSIVPEEE